The following is an entry in ClinVar:

NM_014363.6(SACS):c.12896A>G (p.Lys4299Arg)

Gene: SACS (sacsin molecular chaperone; minus strand). Cytogenetic location: 13q12.12.
Variant type: single nucleotide variant.
Coding change: c.12896A>G on transcript NM_014363.6 (MANE Select); coding-DNA position 12896, A replaced by G.
Protein change: p.Lys4299Arg; replaces lysine 4299 with arginine.
Molecular consequence: missense variant.
Genome position (GRCh38, 1-based): chr13:23,330,980, T>C on the plus strand (A>G on the coding strand, the complement: SACS is on the minus strand). VCF-style: chr13-23330980-T-C. GRCh37 (hg19) VCF-style: chr13-23905119-T-C.
Other names: c.12455A>G, p.Lys4152Arg (NM_001278055.2); short protein forms K4152R, K4299R.
Identifiers: ClinVar variation 2833785 (VCV002833785.3), dbSNP rs2542147058, ClinGen allele CA387506587.

ClinVar aggregate classification (germline): Uncertain significance (1 of 4 stars; one submission).

Conditions:
Spastic paraplegia. Identifiers: MedGen C0037772, HP:0001258.

gnomAD v4.1: 1 of 1,614,162 alleles (0.000062%); highest among the groups gnomAD compares: Non-Finnish European, 0.000085%; no homozygotes.

Submission:

Labcorp Genetics (formerly Invitae), Labcorp
Classification: Uncertain significance for Spastic paraplegia. Last evaluated: 2023-06-29. Review status: criteria provided, single submitter. Criteria: Invitae Variant Classification Sherloc (09022015). Collection method: clinical testing. Allele origin: germline.
Comment: Advanced modeling of protein sequence and biophysical properties (such as structural, functional, and spatial information, amino acid conservation, physicochemical variation, residue mobility, and thermodynamic stability) performed at Invitae indicates that this missense variant is not expected to disrupt SACS protein function. In summary, the available evidence is currently insufficient to determine the role of this variant in disease. Therefore, it has been classified as a Variant of Uncertain Significance. This variant has not been reported in the literature in individuals affected with SACS-related conditions. This sequence change replaces lysine, which is basic and polar, with arginine, which is basic and polar, at codon 4299 of the SACS protein (p.Lys4299Arg). This variant is not present in population databases (gnomAD no frequency).